The following is an entry in ClinVar:

NM_006715.4(MAN2C1):c.1623C>T (p.His541=)

Gene: MAN2C1 (mannosidase alpha class 2C member 1; minus strand). Cytogenetic location: 15q24.2.
Variant type: single nucleotide variant.
Coding change: c.1623C>T on transcript NM_006715.4 (MANE Select); coding-DNA position 1623, C replaced by T.
Protein change: p.His541=; no amino-acid change (histidine 541 retained).
Molecular consequence: synonymous variant.
Genome position (GRCh38, 1-based): chr15:75,360,173, G>A on the plus strand (C>T on the coding strand, the complement: MAN2C1 is on the minus strand). VCF-style: chr15-75360173-G-A. GRCh37 (hg19) VCF-style: chr15-75652514-G-A.
Other names: c.1623C>T, p.His541= (NM_001256494.2, NM_001256495.2); c.1326C>T, p.His442= (NM_001256496.2).
Identifiers: ClinVar variation 2645555 (VCV002645555.24), dbSNP rs200769294, ClinGen allele CA7666565.

ClinVar aggregate classification (germline): Likely benign (1 of 4 stars; one submission).

Allele frequency attached by ClinVar (database versions not stated): ESP Exome Variant Server 0.00008; ExAC 0.00013; 1000 Genomes Project 30x 0.00047; 1000 Genomes Project 0.00060.
gnomAD v4.1: 114 of 1,612,818 alleles (0.0071%); highest among the groups gnomAD compares: East Asian, 0.071%; 1 homozygote.

Submission:

CeGaT Center for Human Genetics Tuebingen
Classification: Likely benign. Last evaluated: 2022-05-01. Review status: criteria provided, single submitter. Criteria: CeGaT Center For Human Genetics Tuebingen Variant Classification Criteria Version 2. Collection method: clinical testing. Allele origin: germline. Affected: yes. Observed: 1 variant allele.
Comment: MAN2C1: BP4, BP7